The following is an entry in ClinVar:

NM_001041.4(SI):c.4927-1G>A

Gene: SI (sucrase-isomaltase; minus strand). Cytogenetic location: 3q26.1.
Variant type: single nucleotide variant.
Coding change: c.4927-1G>A on transcript NM_001041.4 (MANE Select); the canonical splice acceptor site of the intron before coding-DNA position 4927, G replaced by A.
Molecular consequence: splice acceptor variant.
Genome position (GRCh38, 1-based): chr3:164,992,234, C>T on the plus strand (G>A on the coding strand, the complement: SI is on the minus strand). VCF-style: chr3-164992234-C-T. GRCh37 (hg19) VCF-style: chr3-164710022-C-T.
Identifiers: ClinVar variation 3588763 (VCV003588763.2).

ClinVar aggregate classification (germline): Likely pathogenic. Review status: criteria provided, multiple submitters, no conflicts (2 of 4 stars). 2 submissions from 2 submitters: Likely pathogenic (2). Last evaluated 2025-04-24.

Conditions:
Sucrase-isomaltase deficiency (CSID). Also called: SI DEFICIENCY; Deficiency of isomaltase; Congenital sucrose isomaltose malabsorption; Sucrose isomaltose enzyme deficiency. Identifiers: Orphanet 35122, MedGen C1283620, MONDO:0009114, OMIM 222900.

gnomAD v4.1: 23 of 1,612,710 alleles (0.0014%); highest among the groups gnomAD compares: Non-Finnish European, 0.0019%; no homozygotes.

Submissions (2):

Labcorp Genetics (formerly Invitae), Labcorp
Classification: Likely pathogenic. Last evaluated: 2025-04-24. Review status: criteria provided, single submitter. Criteria: Invitae Variant Classification Sherloc (09022015). Collection method: clinical testing. Allele origin: germline.
Comment: This sequence change affects an acceptor splice site in intron 42 of the SI gene. It is expected to disrupt RNA splicing. Variants that disrupt the donor or acceptor splice site typically lead to a loss of protein function (PMID: 16199547), and loss-of-function variants in SI are known to be pathogenic (PMID: 16329100, 23103650, 25452324). This variant is present in population databases (rs779508795, gnomAD 0.0009%). This variant has not been reported in the literature in individuals affected with SI-related conditions. ClinVar contains an entry for this variant (Variation ID: 3588763). Algorithms developed to predict the effect of sequence changes on RNA splicing suggest that this variant may disrupt the consensus splice site. In summary, the currently available evidence indicates that the variant is pathogenic, but additional data are needed to prove that conclusively. Therefore, this variant has been classified as Likely Pathogenic.

Fulgent Genetics
Classification: Likely pathogenic for Sucrase-isomaltase deficiency. Last evaluated: 2024-06-15. Review status: criteria provided, single submitter. Criteria: ACMG Guidelines, 2015. Collection method: clinical testing. Allele origin: germline.

Literature cited by the submitters: PubMed 16199547 (cited by Labcorp Genetics (formerly Invitae), Labcorp); PubMed 16329100 (cited by Labcorp Genetics (formerly Invitae), Labcorp); PubMed 23103650 (cited by Labcorp Genetics (formerly Invitae), Labcorp); PubMed 25452324 (cited by Labcorp Genetics (formerly Invitae), Labcorp).